The following is an entry in ClinVar:

NM_206933.4(USH2A):c.9707G>A (p.Cys3236Tyr)

Gene: USH2A (usherin; minus strand). Cytogenetic location: 1q41.
Variant type: single nucleotide variant.
Coding change: c.9707G>A on transcript NM_206933.4 (MANE Select); coding-DNA position 9707, G replaced by A.
Protein change: p.Cys3236Tyr; replaces cysteine 3236 with tyrosine.
Molecular consequence: missense variant.
Genome position (GRCh38, 1-based): chr1:215,813,768, C>T on the plus strand (G>A on the coding strand, the complement: USH2A is on the minus strand). VCF-style: chr1-215813768-C-T. GRCh37 (hg19) VCF-style: chr1-215987110-C-T.
Other names: short protein forms C3236Y.
Identifiers: ClinVar variation 2058163 (VCV002058163.1), dbSNP rs2464509047, ClinGen allele CA344821550.
Genomic context (GRCh38, chr1:215,813,768, plus strand): 5'-TTTGAGTACACCTGGAAATAACCCTCACCTGGTAGAATTCTAGCGTAATACCCAGAGCAG[C>T]ACTGATGATTTGGTTGTGCCTCCTGTATTCGGCCACCACAACAAACTCCAGTAGAATTCA-3'
Protein context (NP_996816.3, residues 3226-3246): RIQEAQPNHQ[Cys3236Tyr]CSGYYARILP

ClinVar aggregate classification (germline): Uncertain significance (1 of 4 stars; one submission).

Submission:

Labcorp Genetics (formerly Invitae), Labcorp
Classification: Uncertain significance. Last evaluated: 2021-12-24. Review status: criteria provided, single submitter. Criteria: Invitae Variant Classification Sherloc (09022015). Collection method: clinical testing. Allele origin: germline.
Comment: This sequence change replaces cysteine, which is neutral and slightly polar, with tyrosine, which is neutral and polar, at codon 3236 of the USH2A protein (p.Cys3236Tyr). This variant is not present in population databases (gnomAD no frequency). This missense change has been observed in individual(s) with retinitis pigmentosa (Invitae). Algorithms developed to predict the effect of missense changes on protein structure and function (SIFT, PolyPhen-2, Align-GVGD) all suggest that this variant is likely to be disruptive. In summary, the available evidence is currently insufficient to determine the role of this variant in disease. Therefore, it has been classified as a Variant of Uncertain Significance.